The following is an entry in ClinVar:

ClinVar aggregate classification (germline): Uncertain significance. Review status: criteria provided, multiple submitters, no conflicts (2 of 4 stars). 4 submissions from 4 submitters: Uncertain significance (3). 1 of the submissions does not count toward it. Last evaluated 2026-10-01.

Conditions:
Medulloblastoma (MDB). Also called: Medulloblastoma, somatic; MEDULLOBLASTOMA PREDISPOSITION SYNDROME. Identifiers: Orphanet 616, MedGen C0025149, MeSH D008527, MONDO:0007959, OMIM 155255, HP:0002885.
Familial dysautonomia. Also called: HSAN III; FD. Identifiers: Orphanet 1764, MedGen C0013364, MONDO:0009131, OMIM 223900. Disease mechanism: loss of function.

Allele frequency attached by ClinVar (database versions not stated): gnomAD exomes below 0.00001; TOPMed below 0.00001; gnomAD 0.00001.
gnomAD v4.1: 3 of 1,614,132 alleles (0.00019%); highest among the groups gnomAD compares: Non-Finnish European, 0.00025%; no homozygotes.

Submissions (4):

St. Jude Molecular Pathology, St. Jude Children's Research Hospital
Classification: Uncertain significance for Medulloblastoma. Last evaluated: 2026-10-01. Review status: criteria provided, single submitter. Criteria: St. Jude Assertion Criteria 2020. Collection method: clinical testing. Allele origin: germline.
Comment: The ELP1 c.3680A>G p.(Gln1227Arg) missense change has a maximum subpopulation frequency of 0.00088% in gno mAD v2.1.1. The in silico tool REVEL predicts a benign effect on protein function, but to our knowledge this prediction has not been confirmed by functional studies. To our knowledge, this variant has not been reported in individuals with medulloblastoma or familial dysautonomia. In summary, the evidence currently available is insufficient to determine the clinical significance of this variant. It has therefore been classified as of uncertain significance.

Labcorp Genetics (formerly Invitae), Labcorp
Classification: Uncertain significance. Last evaluated: 2021-09-02. Review status: criteria provided, single submitter. Criteria: Invitae Variant Classification Sherloc (09022015). Collection method: clinical testing. Allele origin: germline.
Comment: This sequence change replaces glutamine with arginine at codon 1227 of the ELP1 protein (p.Gln1227Arg). The glutamine residue is weakly conserved and there is a small physicochemical difference between glutamine and arginine. This variant is not present in population databases (ExAC no frequency). This variant has not been reported in the literature in individuals affected with ELP1-related conditions. Algorithms developed to predict the effect of missense changes on protein structure and function (SIFT, PolyPhen-2, Align-GVGD) all suggest that this variant is likely to be tolerated. In summary, the available evidence is currently insufficient to determine the role of this variant in disease. Therefore, it has been classified as a Variant of Uncertain Significance.

Ambry Genetics
Classification: Uncertain significance. Last evaluated: 2020-02-24. Review status: criteria provided, single submitter. Criteria: Ambry Variant Classification Scheme 2023. Collection method: clinical testing. Allele origin: germline.
Comment: The p.Q1227R variant (also known as c.3680A>G), located in coding exon 33 of the IKBKAP gene, results from an A to G substitution at nucleotide position 3680. The glutamine at codon 1227 is replaced by arginine, an amino acid with highly similar properties. This amino acid position is not well conserved in available vertebrate species. In addition, this alteration is predicted to be tolerated by in silico analysis. Since supporting evidence is limited at this time, the clinical significance of this alteration remains unclear.

Natera, Inc.
Classification: Uncertain significance for Familial dysautonomia. Last evaluated: 2020-05-06. Review status: no assertion criteria provided. Collection method: clinical testing. Allele origin: germline. Not counted in ClinVar's aggregate classification.

NM_003640.5(ELP1):c.3680A>G (p.Gln1227Arg)

Gene: ELP1 (elongator acetyltransferase complex subunit 1; minus strand). Cytogenetic location: 9q31.3.
Variant type: single nucleotide variant.
Coding change: c.3680A>G on transcript NM_003640.5 (MANE Select); coding-DNA position 3680, A replaced by G.
Protein change: p.Gln1227Arg; replaces glutamine 1227 with arginine.
Molecular consequence: missense variant.
Genome position (GRCh38, 1-based): chr9:108,878,643, T>C on the plus strand (A>G on the coding strand, the complement: ELP1 is on the minus strand). VCF-style: chr9-108878643-T-C. GRCh37 (hg19) VCF-style: chr9-111640923-T-C.
Other names: c.3338A>G, p.Gln1113Arg (NM_001318360.2); c.2633A>G, p.Gln878Arg (NM_001330749.2); short protein forms Q1113R, Q878R, Q1227R.
Identifiers: ClinVar variation 967946 (VCV000967946.6), dbSNP rs1272852371, ClinGen allele CA374411199.
Genomic context (GRCh38, chr9:108,878,643, plus strand): 5'-TGTTTGTGGTCAGGAATCATCATCAGGACTGAGAATATACCTTTCAGGTTTTCAGTGTTC[T>C]GCACCACTTCACTCAGTGCCTCCAGGAGGGCCAGGTCCTCCAGCGGACTGCCTTCTTTGA-3'
Protein context (NP_003631.2, residues 1217-1237): ALLEALSEVV[Gln1227Arg]NTENLKDEVY